The following is an entry in ClinVar:

ClinVar aggregate classification (germline): Uncertain significance (1 of 4 stars; one submission).

Conditions:
Hereditary cancer-predisposing syndrome. Also called: Tumor predisposition; Hereditary Cancer Syndrome; Hereditary neoplastic syndrome; Neoplastic Syndromes, Hereditary. Identifiers: Orphanet 140162, MedGen C0027672, MeSH D009386, MONDO:0015356.

Submission:

Ambry Genetics
Classification: Uncertain significance for Hereditary cancer-predisposing syndrome. Last evaluated: 2024-04-11. Review status: criteria provided, single submitter. Criteria: Ambry Variant Classification Scheme 2023. Collection method: clinical testing. Allele origin: germline.
Comment: The p.T78S variant (also known as c.232A>T), located in coding exon 2 of the DICER1 gene, results from an A to T substitution at nucleotide position 232. The threonine at codon 78 is replaced by serine, an amino acid with similar properties. This amino acid position is conserved. In addition, this alteration is predicted to be tolerated by in silico analysis. Based on the available evidence, the clinical significance of this variant remains unclear.

NM_177438.3(DICER1):c.232A>T (p.Thr78Ser)

Gene: DICER1 (dicer 1, ribonuclease III; minus strand). Cytogenetic location: 14q32.13.
Variant type: single nucleotide variant.
Coding change: c.232A>T on transcript NM_177438.3 (MANE Select); coding-DNA position 232, A replaced by T.
Protein change: p.Thr78Ser; replaces threonine 78 with serine.
Molecular consequence: missense variant. On other transcripts: 5 prime UTR variant (9), non-coding transcript variant (6).
Genome position (GRCh38, 1-based): chr14:95,132,590, T>A on the plus strand (A>T on the coding strand, the complement: DICER1 is on the minus strand). VCF-style: chr14-95132590-T-A. GRCh37 (hg19) VCF-style: chr14-95598927-T-A.
Other names: c.232A>T, p.Thr78Ser (NM_001395683.1, NM_001395684.1, NM_001395693.1 and 14 more transcripts); c.-43A>T (NM_001395686.1, NM_001395687.1, NM_001395688.1 and 4 more transcripts); c.-227A>T (NM_001395691.1); c.-1337A>T (NM_001395697.1); short protein forms T78S.
Identifiers: ClinVar variation 3272000 (VCV003272000.1).
Genomic context (GRCh38, chr14:95,132,590, plus strand): 5'-ACACCGTCCTTTTTCCATTTCTGCTGAAGTCTCCCCTGATCTGATAGGACAGCTCTTTAG[T>A]GAGTAGTACTGCAATAAATGTCTTCCCTGAGCCAGTGTTTAAACAGACGATGGTATTATG-3'
Protein context (NP_803187.1, residues 68-88): SGKTFIAVLL[Thr78Ser]KELSYQIRGD